The following is an entry in ClinVar:

NM_152468.5(TMC8):c.1268dup (p.Glu425fs)

Gene: TMC8 (transmembrane channel like 8; plus strand). Cytogenetic location: 17q25.3.
Variant type: Duplication.
Coding change: c.1268dup on transcript NM_152468.5 (MANE Select); coding-DNA position 1268, one base duplicated (T; older notation c.1268dupT).
Protein change: p.Glu425fs; shifts the reading frame from glutamic acid 425.
Molecular consequence: frameshift variant.
Genome position (GRCh38, 1-based): chr17:78,137,733, T duplicated. VCF-style (leftmost placement, unchanged base first): chr17-78137732-G-GT. GRCh37 (hg19) VCF-style: chr17-76133813-G-GT.
Other names: short protein forms E425fs.
Identifiers: ClinVar variation 959535 (VCV000959535.8), dbSNP rs2075270806, ClinGen allele CA1139665902.
Genomic context (GRCh38, chr17:78,137,732, plus strand): 5'-GGGGTGGCCGTGAGTGGTGACGGGTCCCCTTCCCCTGCACCCCAGTGCTGGGAGAACTCC[G>GT]TGGGGGAGGAGCTGTACAAGCTGAGTATCTTCAACTTCCTCCTCACCGTGGCCTTCGCCT-3'

ClinVar aggregate classification (germline): Pathogenic (1 of 4 stars; one submission).

Conditions:
Epidermodysplasia verruciformis. Identifiers: Orphanet 302, MedGen C0014522, MONDO:0009176.

Allele frequency attached by ClinVar (database versions not stated): gnomAD exomes below 0.00001.

Submission:

Labcorp Genetics (formerly Invitae), Labcorp
Classification: Pathogenic for Epidermodysplasia verruciformis. Last evaluated: 2019-11-12. Review status: criteria provided, single submitter. Criteria: Invitae Variant Classification Sherloc (09022015). Collection method: clinical testing. Allele origin: germline.
Comment: Loss-of-function variants in TMC8 are known to be pathogenic (PMID: 12426567, 22158547). This variant has not been reported in the literature in individuals with TMC8-related conditions. This variant is not present in population databases (ExAC no frequency). This sequence change creates a premature translational stop signal (p.Glu425Glyfs*76) in the TMC8 gene. It is expected to result in an absent or disrupted protein product. For these reasons, this variant has been classified as Pathogenic.

Literature cited by the submitters: PubMed 12426567; PubMed 22158547.